The following is an entry in ClinVar:

NM_005732.4(RAD50):c.410A>G (p.Asp137Gly)

Gene: RAD50 (RAD50 double strand break repair protein; plus strand). Cytogenetic location: 5q31.1.
Variant type: single nucleotide variant.
Coding change: c.410A>G on transcript NM_005732.4 (MANE Select); coding-DNA position 410, A replaced by G.
Protein change: p.Asp137Gly; replaces aspartic acid 137 with glycine.
Molecular consequence: missense variant.
Genome position (GRCh38, 1-based): chr5:132,579,361, A>G. VCF-style: chr5-132579361-A-G. GRCh37 (hg19) VCF-style: chr5-131915053-A-G.
Other names: short protein forms D137G.
Identifiers: ClinVar variation 527344 (VCV000527344.9), dbSNP rs768038964, ClinGen allele CA3404982.
Genomic context (GRCh38, chr5:132,579,361, plus strand): 5'-TTTTCATTTTCTGTAGGCATGGTGAAAAGGTCAGTCTGAGCTCTAAGTGTGCAGAAATTG[A>G]CCGAGAAATGATCAGTTCTCTTGGGGTTTCCAAGGCTGTGCTAAATAATGTCATTTTCTG-3'
Protein context (NP_005723.2, residues 127-147): VSLSSKCAEI[Asp137Gly]REMISSLGVS

ClinVar aggregate classification (germline): Uncertain significance (1 of 4 stars; one submission).

Conditions:
Hereditary cancer-predisposing syndrome. Also called: Neoplastic Syndromes, Hereditary; Tumor predisposition; Hereditary Cancer Syndrome; Hereditary neoplastic syndrome. Identifiers: Orphanet 140162, MedGen C0027672, MeSH D009386, MONDO:0015356.

Allele frequency attached by ClinVar (database versions not stated): gnomAD exomes below 0.00001; ExAC 0.00001.
gnomAD v4.1: 1 of 1,614,044 alleles (0.000062%); highest among the groups gnomAD compares: Admixed American, 0.0017%; no homozygotes.

Submission:

Labcorp Genetics (formerly Invitae), Labcorp
Classification: Uncertain significance for Hereditary cancer-predisposing syndrome. Last evaluated: 2017-10-19. Review status: criteria provided, single submitter. Criteria: Invitae Variant Classification Sherloc (09022015). Collection method: clinical testing. Allele origin: germline.
Comment: This sequence change replaces aspartic acid with glycine at codon 137 of the RAD50 protein (p.Asp137Gly). The aspartic acid residue is highly conserved and there is a moderate physicochemical difference between aspartic acid and glycine. This variant is present in population databases (rs768038964, ExAC 0.009%). This variant has not been reported in the literature in individuals with RAD50-related disease. Algorithms developed to predict the effect of missense changes on protein structure and function (SIFT, PolyPhen-2, Align-GVGD) all suggest that this variant is likely to be disruptive, but these predictions have not been confirmed by published functional studies and their clinical significance is uncertain. In summary, the available evidence is currently insufficient to determine the role of this variant in disease. Therefore, it has been classified as a Variant of Uncertain Significance.